The following is an entry in ClinVar:

ClinVar aggregate classification (germline): Uncertain significance (1 of 4 stars; one submission).

Allele frequency attached by ClinVar (database versions not stated): gnomAD exomes below 0.00001; TOPMed 0.00001; ExAC 0.00002.

Submission:

GeneDx
Classification: Uncertain significance. Last evaluated: 2023-08-01. Review status: criteria provided, single submitter. Criteria: GeneDx Variant Classification Process June 2021. Collection method: clinical testing. Allele origin: germline. Affected: yes.
Comment: Nonsense variant predicted to result in protein truncation or nonsense mediated decay in a gene for which loss of function is a known mechanism of disease; Has not been previously published as pathogenic or benign to our knowledge

NM_019108.4(SMG9):c.708del (p.Thr235_Tyr236insTer)

Gene: SMG9 (SMG9 nonsense mediated mRNA decay factor; minus strand). Cytogenetic location: 19q13.31.
Variant type: Deletion.
Coding change: c.708del on transcript NM_019108.4 (MANE Select); coding-DNA position 708, one base deleted (T; older notation c.708delT).
Protein change: p.Thr235_Tyr236insTer.
Molecular consequence: nonsense.
Genome position (GRCh38, 1-based): chr19:43,740,212, A deleted on the plus strand (T on the coding strand, the reverse complement: SMG9 is on the minus strand). VCF-style (leftmost placement, unchanged base first): chr19-43740211-CA-C. GRCh37 (hg19) VCF-style: chr19-44244363-CA-C.
Identifiers: ClinVar variation 3253491 (VCV003253491.1), dbSNP rs780074562.
Genomic context (GRCh38, chr19:43,740,211, plus strand): 5'-CGATGCCACTGGTCTGGTTGCCCCCTCGTTCCTTCATTTCAGCGCTCTGGGCCCGGAAAA[CA>C]TAAGTCCTGTGGAGAGGAGCAGGCAGGGGTGTGTGAGAGCTCTGGTTCTCAGCCTTGGAT-3'